The following is an entry in ClinVar:

NM_002470.4(MYH3):c.3869G>A (p.Arg1290His)

Gene: MYH3 (myosin heavy chain 3; minus strand). Cytogenetic location: 17p13.1.
Variant type: single nucleotide variant.
Coding change: c.3869G>A on transcript NM_002470.4 (MANE Select); coding-DNA position 3869, G replaced by A.
Protein change: p.Arg1290His; replaces arginine 1290 with histidine.
Molecular consequence: missense variant.
Genome position (GRCh38, 1-based): chr17:10,635,841, C>T on the plus strand (G>A on the coding strand, the complement: MYH3 is on the minus strand). VCF-style: chr17-10635841-C-T. GRCh37 (hg19) VCF-style: chr17-10539158-C-T.
Other names: short protein forms R1290H.
Identifiers: ClinVar variation 2829093 (VCV002829093.3), dbSNP rs746109263, ClinGen allele CA8392367.

ClinVar aggregate classification (germline): Uncertain significance (1 of 4 stars; one submission).

Allele frequency attached by ClinVar (database versions not stated): ExAC 0.00003; TOPMed 0.00012; gnomAD 0.00016.
gnomAD v4.1: 48 of 1,613,114 alleles (0.003%); highest among the groups gnomAD compares: Admixed American, 0.052%; no homozygotes.

Submission:

Labcorp Genetics (formerly Invitae), Labcorp
Classification: Uncertain significance. Last evaluated: 2025-10-26. Review status: criteria provided, single submitter. Criteria: Invitae Variant Classification Sherloc (09022015). Collection method: clinical testing. Allele origin: germline.
Comment: This sequence change replaces arginine, which is basic and polar, with histidine, which is basic and polar, at codon 1290 of the MYH3 protein (p.Arg1290His). This variant is present in population databases (rs746109263, gnomAD 0.02%). This variant has not been reported in the literature in individuals affected with MYH3-related conditions. ClinVar contains an entry for this variant (Variation ID: 2829093). Invitae Evidence Modeling of protein sequence and biophysical properties (such as structural, functional, and spatial information, amino acid conservation, physicochemical variation, residue mobility, and thermodynamic stability) indicates that this missense variant is not expected to disrupt MYH3 protein function with a negative predictive value of 95%. In summary, the available evidence is currently insufficient to determine the role of this variant in disease. Therefore, it has been classified as a Variant of Uncertain Significance.